The following is an entry in ClinVar:

ClinVar aggregate classification (germline): Benign. Review status: criteria provided, multiple submitters, no conflicts (2 of 4 stars). 3 submissions from 3 submitters: Benign (3). Last evaluated 2026-02-02.

Allele frequency attached by ClinVar (database versions not stated): gnomAD exomes 0.02755 and 0.05316; ExAC 0.05154; ESP Exome Variant Server 0.05382; gnomAD 0.06207 and 0.06232; TOPMed 0.07171; 1000 Genomes Project 0.09784; 1000 Genomes Project 30x 0.09994.
gnomAD v4.1: 50,293 of 1,612,940 alleles (3.1%); highest among the groups gnomAD compares: East Asian, 22%; 2,410 homozygotes.

Submissions (3):

Labcorp Genetics (formerly Invitae), Labcorp
Classification: Benign. Last evaluated: 2026-02-02. Review status: criteria provided, single submitter. Criteria: Invitae Variant Classification Sherloc (09022015). Collection method: clinical testing. Allele origin: germline.

GeneDx
Classification: Benign. Last evaluated: 2015-12-22. Review status: criteria provided, single submitter. Criteria: GeneDx Variant Classification (06012015). Collection method: clinical testing. Allele origin: germline. Affected: yes.
Comment: This variant is considered likely benign or benign based on one or more of the following criteria: it is a conservative change, it occurs at a poorly conserved position in the protein, it is predicted to be benign by multiple in silico algorithms, and/or has population frequency not consistent with disease.

Breakthrough Genomics
Classification: Benign. Review status: criteria provided, single submitter. Criteria: ACMG Guidelines, 2015. Collection method: not provided. Allele origin: germline. Inheritance: Autosomal recessive inheritance. Affected: yes.

NM_145199.3(LIPT1):c.315A>G (p.Thr105=)

Genes: MITD1 (microtubule interacting and trafficking domain containing 1; minus strand), LIPT1 (lipoyltransferase 1; plus strand). Cytogenetic location: 2q11.2.
Variant type: single nucleotide variant.
Coding change: c.315A>G on transcript NM_145199.3 (MANE Select); coding-DNA position 315, A replaced by G.
Protein change: p.Thr105=; no amino-acid change (threonine 105 retained).
Molecular consequence: synonymous variant. On other transcripts: non-coding transcript variant (2).
Genome position (GRCh38, 1-based): chr2:99,162,272, A>G. VCF-style: chr2-99162272-A-G. GRCh37 (hg19) VCF-style: chr2-99778735-A-G.
Other names: c.315A>G, p.Thr105= (NM_001204830.2, NM_015929.4, NM_145197.3 and 1 more transcripts).
Identifiers: ClinVar variation 380548 (VCV000380548.11), dbSNP rs3791211, ClinGen allele CA1797300.
Genomic context (GRCh38, chr2:99,162,272, plus strand): 5'-CCTGAATCTAATGAGAGAAGAAGGTATAAAACTGGCTCGGAGAAGAAGTGGAGGAGGAAC[A>G]GTCTACCATGATATGGGTAATATCAATTTGACTTTCTTTACAACCAAAAAAAAGTATGAT-3'
Protein context (NP_660200.1, residues 95-115): KLARRRSGGG[Thr105=]VYHDMGNINL